The following is an entry in ClinVar:

NM_001371533.1(FUT8):c.197C>T (p.Ser66Phe)

Gene: FUT8 (fucosyltransferase 8; plus strand). Cytogenetic location: 14q23.3.
Variant type: single nucleotide variant.
Coding change: c.197C>T on transcript NM_001371533.1 (MANE Select); coding-DNA position 197, C replaced by T.
Protein change: p.Ser66Phe; replaces serine 66 with phenylalanine.
Molecular consequence: missense variant. On other transcripts: non-coding transcript variant (1), intron variant (1).
Genome position (GRCh38, 1-based): chr14:65,561,760, C>T. VCF-style: chr14-65561760-C-T. GRCh37 (hg19) VCF-style: chr14-66028478-C-T.
Other names: c.197C>T, p.Ser66Phe (NM_001371534.1, NM_001371536.1, NM_178155.3 and 1 more transcripts); c.-286-54218C>T (NM_004480.4); c.197C>T (NM_178155.2); short protein forms S66F.
Identifiers: ClinVar variation 2298405 (VCV002298405.6), dbSNP rs181724726, ClinGen allele CA262769606.

ClinVar aggregate classification (germline): Uncertain significance. Review status: criteria provided, multiple submitters, no conflicts (2 of 4 stars). 2 submissions from 2 submitters: Uncertain significance (2). Last evaluated 2022-07-15.

Conditions:
Inborn genetic diseases. Identifiers: MedGen C0950123, MeSH D030342.

Allele frequency attached by ClinVar (database versions not stated): gnomAD exomes 0.00001; TOPMed 0.00002; gnomAD 0.00004; 1000 Genomes Project 0.00020; 1000 Genomes Project 30x 0.00031.
gnomAD v4.1: 27 of 1,612,076 alleles (0.0017%); highest among the groups gnomAD compares: Admixed American, 0.042%; no homozygotes.

Submissions (2):

Labcorp Genetics (formerly Invitae), Labcorp
Classification: Uncertain significance. Last evaluated: 2022-07-15. Review status: criteria provided, single submitter. Criteria: Invitae Variant Classification Sherloc (09022015). Collection method: clinical testing. Allele origin: germline.
Comment: In summary, the available evidence is currently insufficient to determine the role of this variant in disease. Therefore, it has been classified as a Variant of Uncertain Significance. Algorithms developed to predict the effect of missense changes on protein structure and function (SIFT, PolyPhen-2, Align-GVGD) all suggest that this variant is likely to be tolerated. This variant has not been reported in the literature in individuals affected with FUT8-related conditions. This variant is present in population databases (rs181724726, gnomAD 0.006%). This sequence change replaces serine, which is neutral and polar, with phenylalanine, which is neutral and non-polar, at codon 66 of the FUT8 protein (p.Ser66Phe).

Ambry Genetics
Classification: Uncertain significance for Inborn genetic diseases. Last evaluated: 2022-06-28. Review status: criteria provided, single submitter. Criteria: Ambry Variant Classification Scheme 2023. Collection method: clinical testing. Allele origin: germline.